The following is an entry in ClinVar:

ClinVar aggregate classification (germline): Uncertain significance (1 of 4 stars; one submission).

Allele frequency attached by ClinVar (database versions not stated): gnomAD 0.00001; gnomAD exomes 0.00001 and 0.00002; TOPMed 0.00002.
gnomAD v4.1: 17 of 1,613,862 alleles (0.0011%); highest among the groups gnomAD compares: Admixed American, 0.0067%; no homozygotes.

Submission:

Labcorp Genetics (formerly Invitae), Labcorp
Classification: Uncertain significance. Last evaluated: 2021-05-27. Review status: criteria provided, single submitter. Criteria: Invitae Variant Classification Sherloc (09022015). Collection method: clinical testing. Allele origin: germline.
Comment: In summary, the available evidence is currently insufficient to determine the role of this variant in disease. Therefore, it has been classified as a Variant of Uncertain Significance. Algorithms developed to predict the effect of missense changes on protein structure and function (SIFT, PolyPhen-2, Align-GVGD) all suggest that this variant is likely to be disruptive, but these predictions have not been confirmed by published functional studies and their clinical significance is uncertain. This variant has not been reported in the literature in individuals with FAT1-related conditions. This variant is not present in population databases (ExAC no frequency). This sequence change replaces glutamic acid with lysine at codon 2496 of the FAT1 protein (p.Glu2496Lys). The glutamic acid residue is highly conserved and there is a small physicochemical difference between glutamic acid and lysine.

NM_005245.4(FAT1):c.7486G>A (p.Glu2496Lys)

Gene: FAT1 (FAT atypical cadherin 1; minus strand). Cytogenetic location: 4q35.2.
Variant type: single nucleotide variant.
Coding change: c.7486G>A on transcript NM_005245.4 (MANE Select); coding-DNA position 7486, G replaced by A.
Protein change: p.Glu2496Lys; replaces glutamic acid 2496 with lysine.
Molecular consequence: missense variant.
Genome position (GRCh38, 1-based): chr4:186,619,100, C>T on the plus strand (G>A on the coding strand, the complement: FAT1 is on the minus strand). VCF-style: chr4-186619100-C-T. GRCh37 (hg19) VCF-style: chr4-187540254-C-T.
Other names: short protein forms E2496K.
Identifiers: ClinVar variation 1363331 (VCV001363331.8), dbSNP rs1221380402, ClinGen allele CA358964756.